The following is an entry in ClinVar:

NM_002860.4(ALDH18A1):c.755G>A (p.Arg252Gln)

Gene: ALDH18A1 (aldehyde dehydrogenase 18 family member A1; minus strand). Cytogenetic location: 10q24.1.
Variant type: single nucleotide variant.
Coding change: c.755G>A on transcript NM_002860.4 (MANE Select); coding-DNA position 755, G replaced by A.
Protein change: p.Arg252Gln; replaces arginine 252 with glutamine.
Molecular consequence: missense variant.
Genome position (GRCh38, 1-based): chr10:95,633,012, C>T on the plus strand (G>A on the coding strand, the complement: ALDH18A1 is on the minus strand). VCF-style: chr10-95633012-C-T. GRCh37 (hg19) VCF-style: chr10-97392769-C-T.
Other names: c.749G>A, p.Arg250Gln (NM_001017423.2, NM_001323415.2); c.422G>A, p.Arg141Gln (NM_001323412.2, NM_001323416.2); c.755G>A, p.Arg252Gln (NM_001323413.2, NM_001323414.2); c.650G>A, p.Arg217Gln (NM_001323417.2); c.416G>A, p.Arg139Gln (NM_001323418.2); c.119G>A, p.Arg40Gln (NM_001323419.2); short protein forms R252Q, R139Q, R217Q, R141Q, R250Q, R40Q.
Identifiers: ClinVar variation 217117 (VCV000217117.63), dbSNP rs864321670, ClinGen allele CA347466.
Genomic context (GRCh38, chr10:95,633,012, plus strand): 5'-TTTGTACCTTCTACATCTGAAAGAACAATCAAGAGATCAGTTTTCATTTCCACAGCCAGT[C>T]GGGCAGCCAGGCTATCATTATCTTTAACACTAATAACCTAGAATGCAGATTAAAAAGTCA-3'
Protein context (NP_002851.2, residues 242-262): SVKDNDSLAA[Arg252Gln]LAVEMKTDLL

ClinVar aggregate classification (germline): Pathogenic. Review status: criteria provided, multiple submitters, no conflicts (2 of 4 stars). 9 submissions from 9 submitters: Pathogenic (8). 1 of the submissions does not count toward it. Last evaluated 2026-09-25.

Conditions:
ALDH18A1 deficiency.
P5CS deficiency. Identifiers: MedGen CN294786, MONDO:0100126.
Autosomal dominant spastic paraplegia type 9. Identifiers: MedGen C1832669, MONDO:0015091.
Cutis laxa, autosomal dominant 3 (ADCL3). Identifiers: Orphanet 90348, MedGen C4225268, MONDO:0014706, OMIM 616603.
de Barsy syndrome. Also called: Cutis laxa-corneal clouding-oligophrenia syndrome. Identifiers: Orphanet 2962, MedGen C0268354, MONDO:0017569.
Hereditary spastic paraplegia 9A. Also called: CATARACTS WITH MOTOR NEURONOPATHY, SHORT STATURE, AND SKELETAL ABNORMALITIES; SPASTIC PARAPLEGIA 9A, AUTOSOMAL DOMINANT; SPASTIC PARAPARESIS WITH AMYOTROPHY, CATARACTS, AND GASTROESOPHAGEAL REFLUX. Identifiers: Orphanet 100990, Orphanet 447753, MedGen C5568978, MONDO:0011006, OMIM 601162.
ALDH18A1-related disorder. Also called: ALDH18A1-related disorders.

Submissions (9):

GeneDx
Classification: Pathogenic. Last evaluated: 2026-09-25. Review status: criteria provided, single submitter. Criteria: GeneDx Variant Classification Process June 2021. Collection method: clinical testing. Allele origin: germline.
Comment: Published functional studies suggest a damaging effect; specifically, in vitro functional expression assays show the mutant protein localizes normally to the mitochondria but has low enzymatic activity (PMID: 26297558); Not observed at significant frequency in large population cohorts (gnomAD); In silico analysis suggests that this missense variant does not alter protein structure/function; This variant is associated with the following publications: (PMID: 26026163, 26297558, 33573605, 37152446, 34715294, 31692161, 37655511, 41431411, 42225730)

Victorian Clinical Genetics Services, Murdoch Childrens Research Institute
Classification: Pathogenic for P5CS deficiency. Last evaluated: 2026-01-23. Review status: criteria provided, single submitter. Criteria: ACMG Guidelines, 2015. Collection method: clinical testing. Allele origin: germline. Affected: yes.
Comment: This variant is classified as Pathogenic. Evidence in support of pathogenic classification: Variant is absent from gnomAD (v2, v3 and v4); This variant has strong previous evidence of pathogenicity in unrelated individuals. This variant has been classified as pathogenic by multiple clinical laboratories in ClinVar and reported in individuals and families with autosomal dominant spastic paraplegia (PMIDs: 26026163, 26297558, 33573605); This variant has strong evidence for segregation with disease. This variant segregates with disease in multiple families with autosomal dominant spastic paraplegia (PMIDs: 26026163, 26297558, 33573605). Additional information: Variant is predicted to result in a missense amino acid change from Arg to Gln; This variant is heterozygous; This gene is associated with both recessive and dominant disease (OMIM, ClinGen CCID:004093); Alternative amino acid change(s) at the same position are present in gnomAD (highest allele count: v4: 1 heterozygote(s), 0 homozygote(s)); Variant is located in the glutamate-5-kinase domain (PMID: 26297558); Missense variant with inconclusive in silico prediction and/or uninformative conservation; Dominant negative and loss of function are known mechanisms of disease in this gene and are associated with P5CS deficiency (MONDO:0100126). Loss of function variants are associated with autosomal recessive inheritance while dominant negative missense variants are associated with autosomal dominant inheritance (ClinGen CCID:004093); Inheritance information for this variant is not currently available in this individual.

Labcorp Genetics (formerly Invitae), Labcorp
Classification: Pathogenic for Autosomal dominant spastic paraplegia type 9; de Barsy syndrome; Cutis laxa, autosomal dominant 3. Last evaluated: 2025-11-28. Review status: criteria provided, single submitter. Criteria: Invitae Variant Classification Sherloc (09022015). Collection method: clinical testing. Allele origin: germline.
Comment: This sequence change replaces arginine, which is basic and polar, with glutamine, which is neutral and polar, at codon 252 of the ALDH18A1 protein (p.Arg252Gln). This variant is not present in population databases (gnomAD no frequency). This missense change has been observed in individuals with autosomal dominant hereditary spastic paraplegia (PMID: 26026163, 26297558). It has also been observed to segregate with disease in related individuals. ClinVar contains an entry for this variant (Variation ID: 217117). Invitae Evidence Modeling of protein sequence and biophysical properties (such as structural, functional, and spatial information, amino acid conservation, physicochemical variation, residue mobility, and thermodynamic stability) has been performed for this missense variant. However, the output from this modeling did not meet the statistical confidence thresholds required to predict the impact of this variant on ALDH18A1 protein function. Experimental studies have shown that this missense change affects ALDH18A1 function (PMID: 26297558). Algorithms developed to predict the effect of sequence changes on RNA splicing suggest that this variant may disrupt the consensus splice site. For these reasons, this variant has been classified as Pathogenic.

Blueprint Genetics
Classification: Pathogenic for ALDH18A1-related disorders. Last evaluated: 2023-03-01. Review status: criteria provided, single submitter. Criteria: ACMG Guidelines, 2015. Collection method: clinical testing. Allele origin: germline. Affected: yes. Observed: 2 variant alleles.

CeGaT Center for Human Genetics Tuebingen
Classification: Pathogenic. Last evaluated: 2020-12-01. Review status: criteria provided, single submitter. Criteria: CeGaT Center For Human Genetics Tuebingen Variant Classification Criteria Version 2. Collection method: clinical testing. Allele origin: germline. Affected: yes. Observed: 1 variant allele.

Institute of Medical Genetics and Applied Genomics, University Hospital Tübingen
Classification: Pathogenic. Last evaluated: 2020-10-23. Review status: criteria provided, single submitter. Criteria: ACMG Guidelines, 2015. Collection method: clinical testing. Allele origin: germline. Inheritance: Unknown mechanism. Affected: yes.

Illumina Laboratory Services, Illumina
Classification: Pathogenic for ALDH18A1 deficiency. Last evaluated: 2020-02-17. Review status: criteria provided, single submitter. Criteria: ICSLVariantClassificationCriteria RUGD 01 April 2020. Collection method: clinical testing. Allele origin: unknown.
Comment: The ALDH18A1 c.755G>A (p.Arg252Gln) variant is a missense variant and has been reported in a heterozygous state in at least three unrelated affected individuals presenting with moderate to severe pyramidal signs, pes cavus, cataracts, gastro-oesophageal reflux, chronic cellulitis, and cortical atrophy (Panza et al. 2006; Coutelier et al. 2015). Segregation of the p.Arg252Gln variant with disease was observed in one family in seven affected members over three generations and was absent in all unaffected members (Panza et al. 2016). Functional studies with recombinant p.Arg252Gln variant protein demonstrated that the enzyme activity was reduced compared to wild type (Panza et al. 2016). In addition, the p.Arg252 residue lies in the glutamate-5-kinase domain and is predicted by modelling to lie within the active site (Panza et al. 2006; Coutelier et al. 2015). The p.Arg252Gln variant is not found in the Genome Aggregation Database in a region of good sequence coverage, so the variant is presumed to be rare. Based on the collective evidence and application of ACMG criteria, the p.Arg252Gln variant is classified as pathogenic for ALDH18A1 deficiency.

Undiagnosed Diseases Network, NIH
Classification: Pathogenic for Hereditary spastic paraplegia 9A. Last evaluated: 2018-02-08. Review status: criteria provided, single submitter. Criteria: ACMG Guidelines, 2015. Collection method: clinical testing. Allele origin: unknown. Inheritance: Autosomal dominant inheritance. Affected: yes. Observed: 1 variant allele, 1 heterozygote. Study: Undiagnosed Diseases Network (NIH), UDN.

OMIM
Classification: Pathogenic for SPASTIC PARAPLEGIA 9A, AUTOSOMAL DOMINANT. Last evaluated: 2015-08-21. Review status: no assertion criteria provided. Collection method: literature only. Allele origin: germline. Not counted in ClinVar's aggregate classification.

Literature cited by the submitters: PubMed 33573605 (cited by Victorian Clinical Genetics Services, Murdoch Childrens Research Institute); PubMed 26297558 (cited by 4 submitters); PubMed 26026163 (cited by 4 submitters); PubMed 8779323 (cited by OMIM).